The following is an entry in ClinVar:

ClinVar aggregate classification (germline): Uncertain significance (1 of 4 stars; one submission).

Conditions:
Inborn genetic diseases. Identifiers: MedGen C0950123, MeSH D030342.

Submission:

Ambry Genetics
Classification: Uncertain significance for Inborn genetic diseases. Last evaluated: 2026-08-18. Review status: criteria provided, single submitter. Criteria: Ambry Variant Classification Scheme 2023. Collection method: clinical testing. Allele origin: germline.
Comment: The p.S470R variant (also known as c.1410C>A), located in coding exon 10 of the BMPR2 gene, results from a C to A substitution at nucleotide position 1410. The serine at codon 470 is replaced by arginine, an amino acid with dissimilar properties. This amino acid position is conserved. In addition, the in silico prediction for this alteration is inconclusive. Based on the available evidence, the clinical significance of this variant remains unclear.

NM_001204.7(BMPR2):c.1410C>A (p.Ser470Arg)

Gene: BMPR2 (bone morphogenetic protein receptor type 2; plus strand). Cytogenetic location: 2q33.2.
Variant type: single nucleotide variant.
Coding change: c.1410C>A on transcript NM_001204.7 (MANE Select); coding-DNA position 1410, C replaced by A.
Protein change: p.Ser470Arg; replaces serine 470 with arginine.
Molecular consequence: missense variant.
Genome position (GRCh38, 1-based): chr2:202,542,444, C>A. VCF-style: chr2-202542444-C-A. GRCh37 (hg19) VCF-style: chr2-203407167-C-A.
Other names: short protein forms S470R.
Identifiers: ClinVar variation 5033121 (VCV005033121.1).
Genomic context (GRCh38, chr2:202,542,444, plus strand): 5'-GGTTCTCGTGTCTAGGGAAAAACAGAGACCCAAGTTCCCAGAAGCCTGGAAAGAAAATAG[C>A]CTGGTAAGAAAAAACTAAGTTATTAAAGAGAGGACTTATGACTGAATATGTTTTAATGTT-3'
Protein context (NP_001195.2, residues 460-480): PKFPEAWKEN[Ser470Arg]LAVRSLKETI